The following is an entry in ClinVar:

ClinVar aggregate classification (germline): Conflicting classifications of pathogenicity. Review status: criteria provided, conflicting classifications (1 of 4 stars). 2 submissions from 2 submitters: Uncertain significance (1); Benign (1). Last evaluated 2022-03-01.

Conditions:
Combined oxidative phosphorylation defect type 17. Also called: Combined oxidative phosphorylation deficiency 17. Identifiers: Orphanet 369913, MedGen C3809526, MONDO:0014190, OMIM 615440.
Ovarian cancer. Also called: OVARIAN CANCER, SOMATIC. Identifiers: Orphanet 213500, MedGen C1140680, MONDO:0008170, OMIM 167000.

Allele frequency attached by ClinVar (database versions not stated): ExAC below 0.00001; gnomAD exomes below 0.00001 and 0.00001; gnomAD 0.00001; TOPMed 0.00003.
gnomAD v4.1: 6 of 1,543,774 alleles (0.00039%); highest among the groups gnomAD compares: East Asian, 0.0097%; no homozygotes.

Submissions (2):

Labcorp Genetics (formerly Invitae), Labcorp
Classification: Uncertain significance for Combined oxidative phosphorylation defect type 17. Last evaluated: 2022-03-01. Review status: criteria provided, single submitter. Criteria: Invitae Variant Classification Sherloc (09022015). Collection method: clinical testing. Allele origin: germline.
Comment: In summary, the available evidence is currently insufficient to determine the role of this variant in disease. Therefore, it has been classified as a Variant of Uncertain Significance. Algorithms developed to predict the effect of missense changes on protein structure and function (SIFT, PolyPhen-2, Align-GVGD) all suggest that this variant is likely to be tolerated. ClinVar contains an entry for this variant (Variation ID: 474567). This variant has not been reported in the literature in individuals affected with ELAC2-related conditions. The frequency data for this variant in the population databases is considered unreliable, as metrics indicate poor data quality at this position in the gnomAD database. This sequence change replaces serine, which is neutral and polar, with leucine, which is neutral and non-polar, at codon 17 of the ELAC2 protein (p.Ser17Leu).

Laboratory of Molecular Epidemiology of Birth Defects, West China Second University Hospital, Sichuan University
Classification: Benign for Ovarian cancer. Last evaluated: 2022-01-01. Review status: criteria provided, single submitter. Criteria: ACMG Guidelines, 2015. Collection method: clinical testing. Allele origin: germline. Affected: yes.

NM_018127.7(ELAC2):c.50C>T (p.Ser17Leu)

Gene: ELAC2 (elaC ribonuclease Z 2; minus strand). Cytogenetic location: 17p12.
Variant type: single nucleotide variant.
Coding change: c.50C>T on transcript NM_018127.7 (MANE Select); coding-DNA position 50, C replaced by T.
Protein change: p.Ser17Leu; replaces serine 17 with leucine.
Molecular consequence: missense variant.
Genome position (GRCh38, 1-based): chr17:13,017,898, G>A on the plus strand (C>T on the coding strand, the complement: ELAC2 is on the minus strand). VCF-style: chr17-13017898-G-A. GRCh37 (hg19) VCF-style: chr17-12921215-G-A.
Other names: c.50C>T, p.Ser17Leu (NM_001165962.2, NM_173717.2); c.50C>T (NM_001165962.1); short protein forms S17L.
Identifiers: ClinVar variation 474567 (VCV000474567.6), dbSNP rs765096739, ClinGen allele CA8401851.
Genomic context (GRCh38, chr17:13,017,898, plus strand): 5'-AGCGGGTCCTTGCGCGGCCGCTCGCGGCGGGCGGGTGCCTGCGATATGGTGCGTCCCTGC[G>A]ACATGGTGCGTCCGGCCGCGGACCGCAGCAGCGAGCAAAGCGCCCACATGCGCCCGTCTC-3'
Protein context (NP_060597.4, residues 7-27): LLRSAAGRTM[Ser17Leu]QGRTISQAPA